The following is an entry in ClinVar:

NM_020207.7:c.[2156delG];[3300_3303delTCAA]

Variant type: CompoundHeterozygote.
Identifiers: ClinVar variation 1174157 (VCV001174157.2).

ClinVar aggregate classification (germline): Likely pathogenic (1 of 4 stars; one submission).

Conditions:
Decreased total leukocyte count. Also called: Leukopenia. Identifiers: MedGen C0023530, MONDO:0003785, HP:0001882.
Thrombocytopenia. Identifiers: MedGen C0040034, MeSH D013921, MONDO:0002049, HP:0001873.

Submission:

Bone Marrow Failure laboratory, Queen Mary University London
Classification: Likely pathogenic for Decreased total leukocyte count; Thrombocytopenia. Last evaluated: 2021-05-11. Review status: criteria provided, single submitter. Criteria: ACMG Guidelines, 2015. Collection method: research. Allele origin: germline. Affected: yes.
Comment: The following ACMG/AMP criteria were used for both variants: PVS1, PM2 and PP3.

Literature cited by the submitters: PubMed 29987015.